The following is an entry in ClinVar:

NM_006063.3(KLHL41):c.751A>G (p.Lys251Glu)

Gene: KLHL41 (kelch like family member 41; plus strand). Cytogenetic location: 2q31.1.
Variant type: single nucleotide variant.
Coding change: c.751A>G on transcript NM_006063.3 (MANE Select); coding-DNA position 751, A replaced by G.
Protein change: p.Lys251Glu; replaces lysine 251 with glutamic acid.
Molecular consequence: missense variant.
Genome position (GRCh38, 1-based): chr2:169,510,529, A>G. VCF-style: chr2-169510529-A-G. GRCh37 (hg19) VCF-style: chr2-170367039-A-G.
Other names: short protein forms K251E.
Identifiers: ClinVar variation 955693 (VCV000955693.7), dbSNP rs777151398, ClinGen allele CA1956548.

ClinVar aggregate classification (germline): Uncertain significance. Review status: criteria provided, multiple submitters, no conflicts (2 of 4 stars). 2 submissions from 2 submitters: Uncertain significance (2). Last evaluated 2023-03-28.

Conditions:
Nemaline myopathy 9 (NEM9). Identifiers: MedGen C3810384, MONDO:0014326, OMIM 615731.

Allele frequency attached by ClinVar (database versions not stated): gnomAD 0.00001; gnomAD exomes 0.00002 and 0.00012; TOPMed 0.00008; ExAC 0.00009.
gnomAD v4.1: 34 of 1,613,440 alleles (0.0021%); highest among the groups gnomAD compares: Admixed American, 0.057%; no homozygotes.

Submissions (2):

GeneDx
Classification: Uncertain significance. Last evaluated: 2023-03-28. Review status: criteria provided, single submitter. Criteria: GeneDx Variant Classification Process June 2021. Collection method: clinical testing. Allele origin: germline. Affected: yes.
Comment: In silico analysis supports that this missense variant does not alter protein structure/function; Has not been previously published as pathogenic or benign to our knowledge

Labcorp Genetics (formerly Invitae), Labcorp
Classification: Uncertain significance for Nemaline myopathy 9. Last evaluated: 2022-05-25. Review status: criteria provided, single submitter. Criteria: Invitae Variant Classification Sherloc (09022015). Collection method: clinical testing. Allele origin: germline.
Comment: This sequence change replaces lysine, which is basic and polar, with glutamic acid, which is acidic and polar, at codon 251 of the KLHL41 protein (p.Lys251Glu). This variant is present in population databases (rs777151398, gnomAD 0.09%). This variant has not been reported in the literature in individuals affected with KLHL41-related conditions. ClinVar contains an entry for this variant (Variation ID: 955693). Algorithms developed to predict the effect of missense changes on protein structure and function are either unavailable or do not agree on the potential impact of this missense change (SIFT: "Deleterious"; PolyPhen-2: "Benign"; Align-GVGD: "Class C55"). In summary, the available evidence is currently insufficient to determine the role of this variant in disease. Therefore, it has been classified as a Variant of Uncertain Significance.